The following is an entry in ClinVar:

ClinVar aggregate classification (germline): Uncertain significance (1 of 4 stars; one submission).

Conditions:
Cohen syndrome (COH1). Also called: Cutis verticis gyrata, retinitis pigmentosa, and sensorineural deafness; PEPPER SYNDROME. Identifiers: Orphanet 193, MedGen C0265223, MONDO:0008999, OMIM 216550.

Allele frequency attached by ClinVar (database versions not stated): gnomAD 0.00001; TOPMed 0.00001; ESP Exome Variant Server 0.00008.
gnomAD v4.1: 5 of 1,613,958 alleles (0.00031%); highest among the groups gnomAD compares: Non-Finnish European, 0.00042%; no homozygotes.

Submission:

Labcorp Genetics (formerly Invitae), Labcorp
Classification: Uncertain significance for Cohen syndrome. Last evaluated: 2022-05-03. Review status: criteria provided, single submitter. Criteria: Invitae Variant Classification Sherloc (09022015). Collection method: clinical testing. Allele origin: germline.
Comment: In summary, the available evidence is currently insufficient to determine the role of this variant in disease. Therefore, it has been classified as a Variant of Uncertain Significance. Algorithms developed to predict the effect of missense changes on protein structure and function are either unavailable or do not agree on the potential impact of this missense change (SIFT: "Not Available"; PolyPhen-2: "Possibly Damaging"; Align-GVGD: "Not Available"). This variant has not been reported in the literature in individuals affected with VPS13B-related conditions. This variant is present in population databases (rs146073786, gnomAD 0.007%). This sequence change replaces leucine, which is neutral and non-polar, with methionine, which is neutral and non-polar, at codon 2060 of the VPS13B protein (p.Leu2060Met).

NM_152564.5(VPS13B):c.6103C>A (p.Leu2035Met)

Gene: VPS13B (vacuolar protein sorting 13 homolog B; plus strand). Cytogenetic location: 8q22.2.
Variant type: single nucleotide variant.
Coding change: c.6103C>A on transcript NM_152564.5 (MANE Select); coding-DNA position 6103, C replaced by A.
Protein change: p.Leu2035Met; replaces leucine 2035 with methionine.
Molecular consequence: missense variant.
Genome position (GRCh38, 1-based): chr8:99,699,581, C>A. VCF-style: chr8-99699581-C-A. GRCh37 (hg19) VCF-style: chr8-100711809-C-A.
Other names: c.6178C>A, p.Leu2060Met (NM_017890.5); short protein forms L2035M, L2060M.
Identifiers: ClinVar variation 2191813 (VCV002191813.4), dbSNP rs146073786, ClinGen allele CA183025290.